The following is an entry in ClinVar:

NM_001377142.1(PLCB4):c.3533-3T>C

Gene: PLCB4 (phospholipase C beta 4; plus strand). Cytogenetic location: 20p12.2.
Variant type: single nucleotide variant.
Coding change: c.3533-3T>C on transcript NM_001377142.1 (MANE Select); 3 bases into the intron before coding-DNA position 3533, T replaced by C.
Molecular consequence: intron variant.
Genome position (GRCh38, 1-based): chr20:9,478,918, T>C. VCF-style: chr20-9478918-T-C. GRCh37 (hg19) VCF-style: chr20-9459565-T-C.
Other names: c.3497-3T>C (NM_001377134.2, NM_000933.4, NM_001377135.1); c.3460-3T>C (NM_182797.3, NM_001377136.1); c.3533-3T>C (NM_001377143.1); c.3496-3T>C (NM_001172646.2).
Identifiers: ClinVar variation 2652200 (VCV002652200.24), dbSNP rs1028161626, ClinGen allele CA311282255.
Genomic context (GRCh38, chr20:9,478,918, plus strand): 5'-GGTTGTTAAGTGCCTTCAGATAAGGATTTCAACACACGTAAGGCCATGTTTCTGATGTTA[T>C]AGGCGAAGGAGATGCAGCAGATGGTGAAATTGGAAGCCGAGATGGACCGCAGACCAGCAA-3'

ClinVar aggregate classification (germline): Uncertain significance (1 of 4 stars; one submission).

Allele frequency attached by ClinVar (database versions not stated): gnomAD exomes 0.00001.
gnomAD v4.1: 7 of 1,611,860 alleles (0.00043%); highest among the groups gnomAD compares: Admixed American, 0.0017%; no homozygotes.

Submission:

CeGaT Center for Human Genetics Tuebingen
Classification: Uncertain significance. Last evaluated: 2022-05-01. Review status: criteria provided, single submitter. Criteria: CeGaT Center For Human Genetics Tuebingen Variant Classification Criteria Version 2. Collection method: clinical testing. Allele origin: germline. Affected: yes. Observed: 1 variant allele.
Comment: PLCB4: PM2, BP4